The following is an entry in ClinVar:

NM_001080467.3(MYO5B):c.5522A>T (p.Asn1841Ile)

Genes: SNHG22 (small nucleolar RNA host gene 22; plus strand), MYO5B (myosin VB; minus strand). Cytogenetic location: 18q21.1.
Variant type: single nucleotide variant.
Coding change: c.5522A>T on transcript NM_001080467.3 (MANE Select); coding-DNA position 5522, A replaced by T.
Protein change: p.Asn1841Ile; replaces asparagine 1841 with isoleucine.
Molecular consequence: missense variant.
Genome position (GRCh38, 1-based): chr18:49,826,496, T>A on the plus strand (A>T on the coding strand, the complement: MYO5B is on the minus strand). VCF-style: chr18-49826496-T-A. GRCh37 (hg19) VCF-style: chr18-47352866-T-A.
Other names: c.5522A>T (NM_001080467.2); short protein forms N1841I.
Identifiers: ClinVar variation 1898967 (VCV001898967.6), dbSNP rs750103484, ClinGen allele CA8960016.

ClinVar aggregate classification (germline): Uncertain significance. Review status: criteria provided, multiple submitters, no conflicts (2 of 4 stars). 3 submissions from 3 submitters: Uncertain significance (3). Last evaluated 2025-11-02.

Conditions:
Inborn genetic diseases. Identifiers: MedGen C0950123, MeSH D030342.
MYO5B-related disorder. Also called: MYO5B-related condition.

Allele frequency attached by ClinVar (database versions not stated): ExAC 0.00001; gnomAD 0.00001.

Submissions (3):

PreventionGenetics, part of Exact Sciences
Classification: Uncertain significance for MYO5B-related condition. Last evaluated: 2025-11-02. Review status: criteria provided, single submitter. Criteria: ACMG Guidelines, 2015. Collection method: clinical testing. Allele origin: germline.
Comment: The MYO5B c.5522A>T variant is predicted to result in the amino acid substitution p.Asn1841Ile. To our knowledge, this variant has not been reported in the literature. This variant is reported in 0.0% of alleles in individuals of African descent in gnomAD. At this time, the clinical significance of this variant is uncertain due to the absence of conclusive functional and genetic evidence.

Ambry Genetics
Classification: Uncertain significance for Inborn genetic diseases. Last evaluated: 2024-10-28. Review status: criteria provided, single submitter. Criteria: Ambry Variant Classification Scheme 2023. Collection method: clinical testing. Allele origin: germline.

Labcorp Genetics (formerly Invitae), Labcorp
Classification: Uncertain significance. Last evaluated: 2022-02-09. Review status: criteria provided, single submitter. Criteria: Invitae Variant Classification Sherloc (09022015). Collection method: clinical testing. Allele origin: germline.
Comment: In summary, the available evidence is currently insufficient to determine the role of this variant in disease. Therefore, it has been classified as a Variant of Uncertain Significance. Algorithms developed to predict the effect of missense changes on protein structure and function are either unavailable or do not agree on the potential impact of this missense change (SIFT: "Deleterious"; PolyPhen-2: "Benign"; Align-GVGD: "Class C0"). This variant has not been reported in the literature in individuals affected with MYO5B-related conditions. The frequency data for this variant in the population databases is considered unreliable, as metrics indicate poor data quality at this position in the gnomAD database. This sequence change replaces asparagine, which is neutral and polar, with isoleucine, which is neutral and non-polar, at codon 1841 of the MYO5B protein (p.Asn1841Ile).